The following is an entry in ClinVar:

NM_025099.6(CTC1):c.793-13C>G

Gene: CTC1 (CST telomere replication complex component 1; minus strand). Cytogenetic location: 17p13.1.
Variant type: single nucleotide variant.
Coding change: c.793-13C>G on transcript NM_025099.6 (MANE Select); 13 bases into the intron before coding-DNA position 793, C replaced by G.
Molecular consequence: intron variant.
Genome position (GRCh38, 1-based): chr17:8,236,355, G>C on the plus strand (C>G on the coding strand, the complement: CTC1 is on the minus strand). VCF-style: chr17-8236355-G-C. GRCh37 (hg19) VCF-style: chr17-8139673-G-C.
Identifiers: ClinVar variation 1691971 (VCV001691971.1), dbSNP rs957555496, ClinGen allele CA287537735.

ClinVar aggregate classification (germline): Uncertain significance (1 of 4 stars; one submission).

Conditions:
Dyskeratosis congenita. Identifiers: Orphanet 1775, MedGen C0265965, MONDO:0015780.

Allele frequency attached by ClinVar (database versions not stated): gnomAD exomes below 0.00001; gnomAD 0.00001; TOPMed 0.00002.

Submission:

Sema4
Classification: Uncertain significance for Dyskeratosis congenita. Last evaluated: 2021-09-18. Review status: criteria provided, single submitter. Criteria: Sema4 Curation Guidelines. Collection method: curation. Allele origin: germline.
Comment: The CTC1 c.793-13C>G variant has not been reported in the literature to our knowledge. It was observed in 1/23752 chromosomes of the African/African American subpopulation in the large and broad cohorts of the Genome Aggregation Database (PMID: 32461654). The variant has not been reported in ClinVar. The evidence is insufficient to meet ACMG/AMP criteria for classifying the variant as benign or pathogenic. Thus, the clinical significance of this variant is currently uncertain.